The following is an entry in ClinVar:

NM_006431.3(CCT2):c.584A>G (p.Asn195Ser)

Gene: CCT2 (chaperonin containing TCP1 subunit 2; plus strand). Cytogenetic location: 12q15.
Variant type: single nucleotide variant.
Coding change: c.584A>G on transcript NM_006431.3 (MANE Select); coding-DNA position 584, A replaced by G.
Protein change: p.Asn195Ser; replaces asparagine 195 with serine.
Molecular consequence: missense variant.
Genome position (GRCh38, 1-based): chr12:69,589,622, A>G. VCF-style: chr12-69589622-A-G. GRCh37 (hg19) VCF-style: chr12-69983402-A-G.
Other names: c.443A>G, p.Asn148Ser (NM_001198842.2); short protein forms N195S, N148S.
Identifiers: ClinVar variation 4765192 (VCV004765192.1).

ClinVar aggregate classification (germline): Uncertain significance (1 of 4 stars; one submission).

gnomAD v4.1: 2 of 1,614,088 alleles (0.00012%); highest among the groups gnomAD compares: Non-Finnish European, 0.00017%; no homozygotes.

Submission:

Labcorp Genetics (formerly Invitae), Labcorp
Classification: Uncertain significance. Last evaluated: 2025-05-13. Review status: criteria provided, single submitter. Criteria: Invitae Variant Classification Sherloc (09022015). Collection method: clinical testing. Allele origin: germline.
Comment: This sequence change replaces asparagine, which is neutral and polar, with serine, which is neutral and polar, at codon 195 of the CCT2 protein (p.Asn195Ser). This variant is not present in population databases (gnomAD no frequency). This variant has not been reported in the literature in individuals affected with CCT2-related conditions. An algorithm developed to predict the effect of missense changes on protein structure and function (PolyPhen-2) suggests that this variant is likely to be tolerated. In summary, the available evidence is currently insufficient to determine the role of this variant in disease. Therefore, it has been classified as a Variant of Uncertain Significance.